The following is an entry in ClinVar:

ClinVar aggregate classification (germline): Benign/Likely benign. Review status: criteria provided, multiple submitters, no conflicts (2 of 4 stars). 5 submissions from 5 submitters: Benign (2); Likely benign (3). Last evaluated 2025-10-26.

Conditions:
TSC2-related disorder. Also called: TSC2-related condition; TSC2-Related Disorders.
Hereditary cancer-predisposing syndrome. Also called: Neoplastic Syndromes, Hereditary; Tumor predisposition; Hereditary neoplastic syndrome; Hereditary Cancer Syndrome. Identifiers: Orphanet 140162, MedGen C0027672, MeSH D009386, MONDO:0015356.
Tuberous sclerosis 2 (TSC2). Identifiers: Orphanet 805, MedGen C1860707, MONDO:0013199, OMIM 613254.

Allele frequency attached by ClinVar (database versions not stated): TOPMed 0.00001.
gnomAD v4.1: 19 of 1,612,600 alleles (0.0012%); highest among the groups gnomAD compares: South Asian, 0.0088%; no homozygotes.

Submissions (5):

Labcorp Genetics (formerly Invitae), Labcorp
Classification: Likely benign for Tuberous sclerosis 2. Last evaluated: 2025-10-26. Review status: criteria provided, single submitter. Criteria: Invitae Variant Classification Sherloc (09022015). Collection method: clinical testing. Allele origin: germline.

Myriad Genetics, Inc.
Classification: Benign for Tuberous sclerosis 2. Last evaluated: 2025-05-28. Review status: criteria provided, single submitter. Criteria: Myriad Autosomal Dominant, Autosomal Recessive and X-Linked Classification Criteria (2023). Collection method: clinical testing. Allele origin: unknown.
Comment: This variant is considered benign. This variant is a silent/synonymous amino acid change and it is not expected to impact splicing.

PreventionGenetics, part of Exact Sciences
Classification: Likely benign for TSC2-related condition. Last evaluated: 2025-03-07. Review status: criteria provided, single submitter. Criteria: ACMG Guidelines, 2015. Collection method: clinical testing. Allele origin: germline.
Comment: This variant is classified as likely benign based on ACMG/AMP sequence variant interpretation guidelines (Richards et al. 2015 PMID: 25741868, with internal and published modifications).

Genome-Nilou Lab
Classification: Benign for Tuberous sclerosis 2. Last evaluated: 2021-11-07. Review status: criteria provided, single submitter. Criteria: ACMG Guidelines, 2015. Collection method: clinical testing. Allele origin: germline. Affected: no.

Ambry Genetics
Classification: Likely benign for Hereditary cancer-predisposing syndrome. Last evaluated: 2014-12-17. Review status: criteria provided, single submitter. Criteria: Ambry Variant Classification Scheme 2023. Collection method: clinical testing. Allele origin: germline.

NM_000548.5(TSC2):c.3255G>A (p.Ser1085=)

Gene: TSC2 (TSC complex subunit 2; plus strand). Cytogenetic location: 16p13.3.
Variant type: single nucleotide variant.
Coding change: c.3255G>A on transcript NM_000548.5 (MANE Select); coding-DNA position 3255, G replaced by A.
Protein change: p.Ser1085=; no amino-acid change (serine 1085 retained).
Molecular consequence: synonymous variant.
Genome position (GRCh38, 1-based): chr16:2,079,399, G>A. VCF-style: chr16-2079399-G-A. GRCh37 (hg19) VCF-style: chr16-2129400-G-A.
Other names: c.3123G>A, p.Ser1041= (NM_001077183.3, NM_001370404.1); c.3255G>A, p.Ser1085= (NM_001114382.3); c.3015G>A, p.Ser1005= (NM_001318827.2); c.2979G>A, p.Ser993= (NM_001318829.2); c.2523G>A, p.Ser841= (NM_001318831.2); c.3156G>A, p.Ser1052= (NM_001318832.2); c.3126G>A, p.Ser1042= (NM_001363528.2, NM_001370405.1, NM_021055.3); c.3255G>A (NM_000548.4).
Identifiers: ClinVar variation 186584 (VCV000186584.19), dbSNP rs750617693, ClinGen allele CA018753.